The following is an entry in ClinVar:

NM_001312909.2(FAM111A):c.427C>T (p.Pro143Ser)

Gene: FAM111A (FAM111 trypsin like peptidase A; plus strand). Cytogenetic location: 11q12.1.
Variant type: single nucleotide variant.
Coding change: c.427C>T on transcript NM_001312909.2 (MANE Select); coding-DNA position 427, C replaced by T.
Protein change: p.Pro143Ser; replaces proline 143 with serine.
Molecular consequence: missense variant.
Genome position (GRCh38, 1-based): chr11:59,152,095, C>T. VCF-style: chr11-59152095-C-T. GRCh37 (hg19) VCF-style: chr11-58919568-C-T.
Other names: c.427C>T, p.Pro143Ser (NM_001142519.3, NM_001142520.3, NM_001142521.3 and 29 more transcripts); short protein forms P143S.
Identifiers: ClinVar variation 1712094 (VCV001712094.2), dbSNP rs1385131832, ClinGen allele CA380773078.

ClinVar aggregate classification (germline): Uncertain significance (1 of 4 stars; one submission).

Submission:

GeneDx
Classification: Uncertain significance. Last evaluated: 2022-04-21. Review status: criteria provided, single submitter. Criteria: GeneDx Variant Classification Process June 2021. Collection method: clinical testing. Allele origin: germline. Affected: yes.
Comment: Not observed at significant frequency in large population cohorts (gnomAD); In silico analysis supports that this missense variant has a deleterious effect on protein structure/function; Has not been previously published as pathogenic or benign to our knowledge